The following is an entry in ClinVar:

NM_006180.6(NTRK2):c.1309G>A (p.Val437Met)

Gene: NTRK2 (neurotrophic receptor tyrosine kinase 2; plus strand). Cytogenetic location: 9q21.33.
Variant type: single nucleotide variant.
Coding change: c.1309G>A on transcript NM_006180.6 (MANE Select); coding-DNA position 1309, G replaced by A.
Protein change: p.Val437Met; replaces valine 437 with methionine.
Molecular consequence: missense variant.
Genome position (GRCh38, 1-based): chr9:84,751,998, G>A. VCF-style: chr9-84751998-G-A. GRCh37 (hg19) VCF-style: chr9-87366913-G-A.
Other names: c.1309G>A, p.Val437Met (NM_001007097.3, NM_001018064.3, NM_001018065.2 and 15 more transcripts); c.1270G>A, p.Val424Met (NM_001291937.2, NM_001369546.1); c.1273G>A, p.Val425Met (NM_001369534.1); c.841G>A, p.Val281Met (NM_001369535.1, NM_001369536.1, NM_001369550.1 and 2 more transcripts); short protein forms V281M, V424M, V425M, V437M.
Identifiers: ClinVar variation 4529938 (VCV004529938.1).
Genomic context (GRCh38, chr9:84,751,998, plus strand): 5'-AGGGAACTAATTAGCAAGGTTATAACCACCCTCCCTTCCTTTCTCTAGGTCTATGCTGTG[G>A]TGGTGATTGCGTCTGTGGTGGGATTTTGCCTTTTGGTAATGCTGTTTCTGCTTAAGTTGG-3'
Protein context (NP_006171.2, residues 427-447): GREHLSVYAV[Val437Met]VIASVVGFCL

ClinVar aggregate classification (germline): Uncertain significance (1 of 4 stars; one submission).

Submission:

GeneDx
Classification: Uncertain significance. Last evaluated: 2025-05-11. Review status: criteria provided, single submitter. Criteria: GeneDx Variant Classification Process June 2021. Collection method: clinical testing. Allele origin: germline. Affected: yes.
Comment: Not observed at significant frequency in large population cohorts (gnomAD); In silico analysis suggests that this missense variant does not alter protein structure/function; Has not been previously published as pathogenic or benign to our knowledge